The following is an entry in ClinVar:

NM_002334.4(LRP4):c.4829G>A (p.Arg1610Gln)

Genes: LRP4 (LDL receptor related protein 4; minus strand), LRP4-AS1 (LRP4 antisense RNA 1; plus strand). Cytogenetic location: 11p11.2.
Variant type: single nucleotide variant.
Coding change: c.4829G>A on transcript NM_002334.4 (MANE Select); coding-DNA position 4829, G replaced by A.
Protein change: p.Arg1610Gln; replaces arginine 1610 with glutamine.
Molecular consequence: missense variant.
Genome position (GRCh38, 1-based): chr11:46,868,996, C>T on the plus strand (G>A on the coding strand, the complement: LRP4 is on the minus strand). VCF-style: chr11-46868996-C-T. GRCh37 (hg19) VCF-style: chr11-46890547-C-T.
Other names: short protein forms R1610Q.
Identifiers: ClinVar variation 846793 (VCV000846793.9), dbSNP rs756543033, ClinGen allele CA5969233.

ClinVar aggregate classification (germline): Uncertain significance. Review status: criteria provided, multiple submitters, no conflicts (2 of 4 stars). 4 submissions from 4 submitters: Uncertain significance (4). Last evaluated 2026-04-15.

Conditions:
Congenital myasthenic syndrome 17. Identifiers: Orphanet 590, MedGen C4225377, MONDO:0014578, OMIM 616304.
Cenani-Lenz syndactyly syndrome. Also called: SYNDACTYLY, TYPE VII; CENANI SYNDACTYLISM. Identifiers: Orphanet 3258, MedGen C1859309, MONDO:0008931, OMIM 212780.
Sclerosteosis 2 (SOST2). Identifiers: Orphanet 3152, MedGen C3280402, MONDO:0013679, OMIM 614305.
Inborn genetic diseases. Identifiers: MedGen C0950123, MeSH D030342.

Allele frequency attached by ClinVar (database versions not stated): gnomAD 0.00001; ExAC 0.00002; TOPMed 0.00003.
gnomAD v4.1: 33 of 1,614,056 alleles (0.002%); highest among the groups gnomAD compares: East Asian, 0.0089%; no homozygotes.

Submissions (4):

Women's Health and Genetics/Laboratory Corporation of America, LabCorp
Classification: Uncertain significance. Last evaluated: 2026-04-15. Review status: criteria provided, single submitter. Criteria: LabCorp Variant Classification Summary - May 2015. Collection method: clinical testing. Allele origin: germline.
Comment: Variant summary: LRP4 c.4829G>A (p.Arg1610Gln) results in a conservative amino acid change in the encoded protein sequence. Algorithms developed to predict the effect of missense changes on protein structure and function are either unavailable or do not agree on the potential impact of this missense change. The variant allele was found at a frequency of 2e-05 in 251334 control chromosomes. The available data on variant occurrences in the general population are insufficient to allow any conclusion about variant significance. To our knowledge, no occurrence of c.4829G>A in individuals affected with LRP4-related conditions and no experimental evidence demonstrating its impact on protein function have been reported. ClinVar contains an entry for this variant (Variation ID: 846793). Based on the evidence outlined above, the variant was classified as uncertain significance.

Ambry Genetics
Classification: Uncertain significance for Inborn genetic diseases. Last evaluated: 2023-05-31. Review status: criteria provided, single submitter. Criteria: Ambry Variant Classification Scheme 2023. Collection method: clinical testing. Allele origin: germline.

Labcorp Genetics (formerly Invitae), Labcorp
Classification: Uncertain significance for Cenani-Lenz syndactyly syndrome; Sclerosteosis 2; Congenital myasthenic syndrome 17. Last evaluated: 2022-08-23. Review status: criteria provided, single submitter. Criteria: Invitae Variant Classification Sherloc (09022015). Collection method: clinical testing. Allele origin: germline.
Comment: This sequence change replaces arginine, which is basic and polar, with glutamine, which is neutral and polar, at codon 1610 of the LRP4 protein (p.Arg1610Gln). This variant is present in population databases (rs756543033, gnomAD 0.005%). This variant has not been reported in the literature in individuals affected with LRP4-related conditions. ClinVar contains an entry for this variant (Variation ID: 846793). Algorithms developed to predict the effect of missense changes on protein structure and function (SIFT, PolyPhen-2, Align-GVGD) all suggest that this variant is likely to be disruptive. Algorithms developed to predict the effect of sequence changes on RNA splicing suggest that this variant may create or strengthen a splice site. In summary, the available evidence is currently insufficient to determine the role of this variant in disease. Therefore, it has been classified as a Variant of Uncertain Significance.

Fulgent Genetics
Classification: Uncertain significance for Cenani-Lenz syndactyly syndrome; Sclerosteosis 2; Congenital myasthenic syndrome 17. Last evaluated: 2021-09-02. Review status: criteria provided, single submitter. Criteria: ACMG Guidelines, 2015. Collection method: clinical testing. Allele origin: unknown.